The following is an entry in ClinVar:

ClinVar aggregate classification (germline): Uncertain significance (1 of 4 stars; one submission).

Conditions:
Autosomal dominant childhood-onset proximal spinal muscular atrophy with contractures (SMALED2A). Also called: SPINAL MUSCULAR ATROPHY, LOWER EXTREMITY-PREDOMINANT, 2A, CHILDHOOD ONSET, AUTOSOMAL DOMINANT; Spinal muscular atrophy, lower extremity-predominant, 2A, autosomal dominant. Identifiers: Orphanet 363447, Orphanet 363454, MedGen C4747715, MONDO:0014121, OMIM 615290.

Submission:

Labcorp Genetics (formerly Invitae), Labcorp
Classification: Uncertain significance for Autosomal dominant childhood-onset proximal spinal muscular atrophy with contractures. Last evaluated: 2023-06-17. Review status: criteria provided, single submitter. Criteria: Invitae Variant Classification Sherloc (09022015). Collection method: clinical testing. Allele origin: germline.
Comment: In summary, the available evidence is currently insufficient to determine the role of this variant in disease. Therefore, it has been classified as a Variant of Uncertain Significance. Advanced modeling of protein sequence and biophysical properties (such as structural, functional, and spatial information, amino acid conservation, physicochemical variation, residue mobility, and thermodynamic stability) performed at Invitae indicates that this missense variant is expected to disrupt BICD2 protein function. ClinVar contains an entry for this variant (Variation ID: 1380495). This variant has not been reported in the literature in individuals affected with BICD2-related conditions. This variant is not present in population databases (gnomAD no frequency). This sequence change replaces glutamic acid, which is acidic and polar, with glycine, which is neutral and non-polar, at codon 237 of the BICD2 protein (p.Glu237Gly).

NM_001003800.2(BICD2):c.710A>G (p.Glu237Gly)

Gene: BICD2 (BICD cargo adaptor 2; minus strand). Cytogenetic location: 9q22.31.
Variant type: single nucleotide variant.
Coding change: c.710A>G on transcript NM_001003800.2 (MANE Select); coding-DNA position 710, A replaced by G.
Protein change: p.Glu237Gly; replaces glutamic acid 237 with glycine.
Molecular consequence: missense variant.
Genome position (GRCh38, 1-based): chr9:92,720,652, T>C on the plus strand (A>G on the coding strand, the complement: BICD2 is on the minus strand). VCF-style: chr9-92720652-T-C. GRCh37 (hg19) VCF-style: chr9-95482934-T-C.
Other names: c.710A>G, p.Glu237Gly (NM_015250.4); short protein forms E237G.
Identifiers: ClinVar variation 1380495 (VCV001380495.8), dbSNP rs2131502641, ClinGen allele CA374043903.
Genomic context (GRCh38, chr9:92,720,652, plus strand): 5'-AGGCTGTTCTTCTGTTCGCGCTCCGTCTTCAGGGTCTCCAGCGCCTCCTCCAGCTGCCGC[T>C]CTGAGATCTCCTTGAGGCGGATGGCATCCTCCAGCTGGCTGTTGAGGTACTCGGTCTCCT-3'
Protein context (NP_001003800.1, residues 227-247): EDAIRLKEIS[Glu237Gly]RQLEEALETL